The following is an entry in ClinVar:

ClinVar aggregate classification (germline): Likely pathogenic (1 of 4 stars; one submission).

Submission:

Labcorp Genetics (formerly Invitae), Labcorp
Classification: Likely pathogenic. Last evaluated: 2023-10-09. Review status: criteria provided, single submitter. Criteria: Invitae Variant Classification Sherloc (09022015). Collection method: clinical testing. Allele origin: germline.
Comment: This sequence change disrupts the translational stop signal of the NKX2-1 mRNA. It is expected to extend the length of the NKX2-1 protein by 63 additional amino acid residues. This variant is not present in population databases (gnomAD no frequency). This protein extension has been observed in individual(s) with clinical features of brain-thyroid-lung syndrome (Invitae). In at least one individual the variant was observed to be de novo. In summary, the currently available evidence indicates that the variant is pathogenic, but additional data are needed to prove that conclusively. Therefore, this variant has been classified as Likely Pathogenic.

NM_001079668.3(NKX2-1):c.1206A>G (p.Ter402Trp)

Genes: NKX2-1 (NK2 homeobox 1; minus strand), SFTA3 (surfactant associated 3; minus strand). Cytogenetic location: 14q13.3.
Variant type: single nucleotide variant.
Coding change: c.1206A>G on transcript NM_001079668.3 (MANE Select); coding-DNA position 1206, A replaced by G.
Protein change: p.Ter402Trp.
Molecular consequence: stop lost.
Genome position (GRCh38, 1-based): chr14:36,517,278, T>C on the plus strand (A>G on the coding strand, the complement: NKX2-1 is on the minus strand). VCF-style: chr14-36517278-T-C. GRCh37 (hg19) VCF-style: chr14-36986483-T-C.
Other names: c.1116A>G, p.Ter372Trp (NM_003317.4).
Identifiers: ClinVar variation 2855544 (VCV002855544.3), dbSNP rs1064793819, ClinGen allele CA389457715.